The following is an entry in ClinVar:

ClinVar aggregate classification (germline): Conflicting classifications of pathogenicity. Review status: criteria provided, conflicting classifications (1 of 4 stars). 12 submissions from 12 submitters: Uncertain significance (10); Likely benign (2). Last evaluated 2026-09-14.

Conditions:
PKP2-related disorder. Also called: PKP2-related condition.
Cardiovascular phenotype. Identifiers: MedGen CN230736.
Arrhythmogenic right ventricular cardiomyopathy (ARVD). Also called: Arrhythmogenic right ventricular dysplasia; Cardiomyopathy, ARVC; Arrhythmogenic Right Ventricular Cardiomyopathy (ARVC); Arrhythmogenic cardiomyopathy. Identifiers: Orphanet 247, MedGen C0349788, MeSH D019571, MONDO:0016587. Disease mechanism: loss of function. Inheritance: Various modes of inheritance.
Cardiomyopathy (CMYO). Also called: Cardiomyopathies. Identifiers: Orphanet 167848, MedGen C0878544, MONDO:0004994, HP:0001638. Inheritance: Various modes of inheritance.
Arrhythmogenic right ventricular dysplasia 9 (ARVD9). Also called: Arrhythmogenic Right Ventricular Dysplasia/Cardiomyopathy 9; ARRHYTHMOGENIC RIGHT VENTRICULAR DYSPLASIA, FAMILIAL, 9. Identifiers: MedGen C1836906, MONDO:0012180, OMIM 609040.

Allele frequency attached by ClinVar (database versions not stated): ExAC 0.00015; gnomAD exomes 0.00015 and 0.00013; gnomAD 0.00005 and 0.00006; TOPMed 0.00008.
gnomAD v4.1: 221 of 1,613,168 alleles (0.014%); highest among the groups gnomAD compares: Non-Finnish European, 0.018%; no homozygotes.

Submissions (12):

PreventionGenetics, part of Exact Sciences
Classification: Uncertain significance for PKP2-related condition. Last evaluated: 2026-09-14. Review status: criteria provided, single submitter. Criteria: ACMG Guidelines, 2015. Collection method: clinical testing. Allele origin: germline.
Comment: The PKP2 c.1576A>G variant is predicted to result in the amino acid substitution p.Thr526Ala. This variant has been reported in individuals with PKP2-related disorders (See for example: Cerrone et al. 2014. PubMed ID: 24352520; Table 3, Proost et al. 2017. PubMed ID: 28341588; Table S4, Smith et al. 2022. PubMed ID: 35470680) and in vitro studies suggest that this variant may alter protein function (Cerrone et al. 2014. PubMed ID: 24352520). This variant is reported in 0.024% of alleles in individuals of European (non-Finnish) descent in gnomAD. At this time, the clinical significance of this variant is uncertain due to the absence of conclusive functional and genetic evidence.

GeneDx
Classification: Uncertain significance. Last evaluated: 2025-07-31. Review status: criteria provided, single submitter. Criteria: GeneDx Variant Classification Process June 2021. Collection method: clinical testing. Allele origin: germline. Affected: yes.
Comment: Identified in patients with cardiomyopathy and arrhythmia in the published literature; however, this variant does not consistently segregate with the disease phenotype (PMID: 22170284, 24352520, 27085656, 28341588); In silico analysis suggests that this missense variant does not alter protein structure/function; This variant is associated with the following publications: (PMID: 25395996, 27085656, 24352520, 27711072, 28341588, 30821013, 30662450, Shestak2021[article], 39940965, 30619891, 22170284)

Molecular Diagnostic Laboratory for Inherited Cardiovascular Disease, Montreal Heart Institute
Classification: Uncertain significance for Cardiovascular phenotype. Last evaluated: 2025-07-24. Review status: criteria provided, single submitter. Criteria: ACMG Guidelines, 2015. Collection method: clinical testing. Allele origin: germline. Affected: yes.

Labcorp Genetics (formerly Invitae), Labcorp
Classification: Uncertain significance for Arrhythmogenic right ventricular dysplasia 9. Last evaluated: 2025-01-19. Review status: criteria provided, single submitter. Criteria: Invitae Variant Classification Sherloc (09022015). Collection method: clinical testing. Allele origin: germline.
Comment: This sequence change replaces threonine, which is neutral and polar, with alanine, which is neutral and non-polar, at codon 526 of the PKP2 protein (p.Thr526Ala). This variant is present in population databases (rs397516999, gnomAD 0.03%). This missense change has been observed in individual(s) with a PKP2-related disease (PMID: 24352520, 28341588). ClinVar contains an entry for this variant (Variation ID: 45032). An algorithm developed to predict the effect of missense changes on protein structure and function (PolyPhen-2) suggests that this variant¬†is likely to be tolerated. Experimental studies have shown that this missense change affects PKP2 function (PMID: 24352520). In summary, the available evidence is currently insufficient to determine the role of this variant in disease. Therefore, it has been classified as a Variant of Uncertain Significance.

All of Us Research Program, National Institutes of Health
Classification: Uncertain significance for Arrhythmogenic right ventricular cardiomyopathy. Last evaluated: 2024-08-06. Review status: criteria provided, single submitter. Criteria: ACMG Guidelines, 2015. Collection method: clinical testing. Allele origin: germline. Inheritance: Autosomal dominant inheritance. Observed: 36 variant alleles, 36 heterozygotes.
Comment: This missense variant replaces threonine with alanine at codon 526 of the PKP2 protein. Computational prediction is inconclusive regarding the impact of this variant on protein structure and function (internally defined REVEL score threshold 0.5 < inconclusive < 0.7, PMID: 27666373). A functional study has shown that the mutant protein carrying this variant is unable to rescue the sodium current deficit observed in PKP2-deficient cells (PMID: 24352520). This variant has been reported in an individual affected with arrhythmogenic right ventricular cardiomyopathy (Shestak et al. 2021, DOI: 10.15829/1560-4071-2021-4692), in an individual affected with syncope and cardiac arrest (PMID: 24352520), and in an individual affected with primary electrical disease (PMID:28341588). This variant has also been identified in 34/282764 chromosomes in the general population by the Genome Aggregation Database (gnomAD). The available evidence is insufficient to determine the role of this variant in disease conclusively. Therefore, this variant is classified as a Variant of Uncertain Significance.

This study involves interpretation of variants in research participants for the purpose of population health screening. Participant phenotype was not available at the time of variant classification. Additional details can be found in publication PMID: 35346344, PMCID: PMC8962531

Color Diagnostics, LLC DBA Color Health
Classification: Uncertain significance for Cardiomyopathy. Last evaluated: 2024-03-07. Review status: criteria provided, single submitter. Criteria: ACMG Guidelines, 2015. Collection method: clinical testing. Allele origin: germline.
Comment: This missense variant replaces threonine with alanine at codon 526 of the PKP2 protein. Computational prediction is inconclusive regarding the impact of this variant on protein structure and function. A functional study has shown that the mutant protein carrying this variant is unable to rescue the sodium current deficit observed in PKP2-deficient cells (PMID: 24352520). This variant has been reported in an individual affected with arrhythmogenic right ventricular cardiomyopathy (Shestak et al. 2021, DOI: 10.15829/1560-4071-2021-4692), in an individual affected with syncope and cardiac arrest (PMID: 24352520), and in an individual affected with primary electrical disease (PMID:28341588). This variant has also been identified in 34/282764 chromosomes in the general population by the Genome Aggregation Database (gnomAD). The available evidence is insufficient to determine the role of this variant in disease conclusively. Therefore, this variant is classified as a Variant of Uncertain Significance.

Blueprint Genetics
Classification: Likely benign. Last evaluated: 2024-02-08. Review status: criteria provided, single submitter. Criteria: ACMG Guidelines, 2015. Collection method: clinical testing. Allele origin: germline.

Women's Health and Genetics/Laboratory Corporation of America, LabCorp
Classification: Uncertain significance. Last evaluated: 2023-08-14. Review status: criteria provided, single submitter. Criteria: LabCorp Variant Classification Summary - May 2015. Collection method: clinical testing. Allele origin: germline.
Comment: Variant summary: PKP2 c.1576A>G (p.Thr526Ala) results in a non-conservative amino acid change in the encoded protein sequence. Four of five in-silico tools predict a benign effect of the variant on protein function. The variant allele was found at a frequency of 0.00013 in 251356 control chromosomes (gnomAD). This frequency is not significantly higher than estimated for a pathogenic variant in PKP2 causing Arrhythmogenic Right Ventricular Dysplasia/Cardiomyopathy (0.00013 vs 0.00065), allowing no conclusion about variant significance. c.1576A>G has been reported in the literature in individuals affected with with PKP2-related disease (examples: Cerrone_2014, Proost_2017). At least one publication reports experimental evidence evaluating an impact on protein function. The most pronounced variant effect results in >50%-90% of normal activity (Cerrone_ 2014). These report(s) do not provide unequivocal conclusions about association of the variant with Arrhythmogenic Right Ventricular Dysplasia/Cardiomyopathy. The following publications have been ascertained in the context of this evaluation (PMID: 24352520, 28341588). Eight submitters have cited clinical-significance assessments for this variant to ClinVar after 2014 and classified the variant as VUS (n=6) or likely benign (n=2). Based on the evidence outlined above, the variant was classified as uncertain significance.

Laboratory for Molecular Medicine, Mass General Brigham Personalized Medicine
Classification: Uncertain significance. Last evaluated: 2022-11-18. Review status: criteria provided, single submitter. Criteria: ACMG Guidelines, 2015. Collection method: clinical testing. Allele origin: germline.
Comment: proposed classification - variant undergoing re-assessment, contact laboratory

Mendelics
Classification: Uncertain significance for Arrhythmogenic right ventricular dysplasia 9. Last evaluated: 2019-05-28. Review status: criteria provided, single submitter. Criteria: Mendelics Assertion Criteria 2017. Collection method: clinical testing. Allele origin: unknown.

Ambry Genetics
Classification: Likely benign for Cardiovascular phenotype. Last evaluated: 2018-09-24. Review status: criteria provided, single submitter. Criteria: Ambry Variant Classification Scheme 2023. Collection method: clinical testing. Allele origin: germline.

Illumina Laboratory Services, Illumina
Classification: Uncertain significance for Arrhythmogenic right ventricular dysplasia 9. Last evaluated: 2017-04-27. Review status: criteria provided, single submitter. Criteria: ICSL Variant Classification Criteria 13 December 2019. Collection method: clinical testing. Allele origin: germline.
Comment: This variant was observed as part of a predisposition screen in an ostensibly healthy population. A literature search was performed for the gene, cDNA change, and amino acid change (where applicable). Publications were found based on this search. However, the evidence from the literature, in combination with allele frequency data from public databases where available, was not sufficient to rule this variant in or out of causing disease. Therefore, this variant is classified as a variant of unknown significance.

Literature cited by the submitters: PubMed 24352520 (cited by 6 submitters); PubMed 28341588 (cited by 4 submitters); PubMed 22170284 (cited by 3 submitters); PubMed 27085656 (cited by Ambry Genetics); PubMed 27711072 (cited by Ambry Genetics); PubMed 25395996 (cited by Illumina Laboratory Services, Illumina).

NM_001005242.3(PKP2):c.1444A>G (p.Thr482Ala)

Gene: PKP2 (plakophilin 2; minus strand). Cytogenetic location: 12p11.21.
Variant type: single nucleotide variant.
Coding change: c.1444A>G on transcript NM_001005242.3 (MANE Select); coding-DNA position 1444, A replaced by G.
Protein change: p.Thr482Ala; replaces threonine 482 with alanine.
Molecular consequence: missense variant.
Genome position (GRCh38, 1-based): chr12:32,841,140, T>C on the plus strand (A>G on the coding strand, the complement: PKP2 is on the minus strand). VCF-style: chr12-32841140-T-C. GRCh37 (hg19) VCF-style: chr12-32994074-T-C.
Other names: p.T526A:ACG>GCG; c.1576A>G, p.Thr526Ala (NM_004572.4); c.1444A>G (NM_001005242.2); short protein forms T526A, T482A.
Identifiers: ClinVar variation 45032 (VCV000045032.39), dbSNP rs397516999, ClinGen allele CA011171.